The following is an entry in ClinVar:

NM_001009944.3(PKD1):c.3239C>A (p.Pro1080His)

Gene: PKD1 (polycystin 1, transient receptor potential channel interacting; minus strand). Cytogenetic location: 16p13.3.
Variant type: single nucleotide variant.
Coding change: c.3239C>A on transcript NM_001009944.3 (MANE Select); coding-DNA position 3239, C replaced by A.
Protein change: p.Pro1080His; replaces proline 1080 with histidine.
Molecular consequence: missense variant.
Genome position (GRCh38, 1-based): chr16:2,112,396, G>T on the plus strand (C>A on the coding strand, the complement: PKD1 is on the minus strand). VCF-style: chr16-2112396-G-T. GRCh37 (hg19) VCF-style: chr16-2162397-G-T.
Other names: c.3239C>A, p.Pro1080His (NM_000296.4); short protein forms P1080H.
Identifiers: ClinVar variation 2446121 (VCV002446121.3), dbSNP rs746334905, ClinGen allele CA7832877.
Genomic context (GRCh38, chr16:2,112,396, plus strand): 5'-TCACCTGGGGCAGCGTAGGTGTGCATGACATTGTGCTCCACCAGCACCTGGGCCACCGAG[G>T]GGTCTGGAACCGGGAAGGACTCGTTGTACGGAGGCTGGAACTGGTGGAGGGCCTGCTCCC-3'
Protein context (NP_001009944.3, residues 1070-1090): PYNESFPVPD[Pro1080His]SVAQVLVEHN

ClinVar aggregate classification (germline): Uncertain significance. Review status: criteria provided, single submitter (1 of 4 stars). 2 submissions from 2 submitters: Uncertain significance (1). 1 of the submissions does not count toward it. Last evaluated 2022-09-22.

Conditions:
PKD1-related disorder. Also called: PKD1-related condition.

Allele frequency attached by ClinVar (database versions not stated): gnomAD exomes 0.00006; ExAC 0.00023; 1000 Genomes Project 30x 0.00031.
gnomAD v4.1: 191 of 1,587,932 alleles (0.012%); highest among the groups gnomAD compares: African/African-American, 0.24%; 1 homozygote.

Submissions (2):

GeneDx
Classification: Uncertain significance. Last evaluated: 2022-09-22. Review status: criteria provided, single submitter. Criteria: GeneDx Variant Classification Process June 2021. Collection method: clinical testing. Allele origin: germline. Affected: yes.
Comment: In silico analysis supports that this missense variant has a deleterious effect on protein structure/function; Has not been previously published as pathogenic or benign to our knowledge

PreventionGenetics, part of Exact Sciences
Classification: Likely benign for PKD1-related condition. Last evaluated: 2023-01-07. Review status: no assertion criteria provided. Collection method: clinical testing. Allele origin: germline. Not counted in ClinVar's aggregate classification.
Comment: This variant is classified as likely benign based on ACMG/AMP sequence variant interpretation guidelines (Richards et al. 2015 PMID: 25741868, with internal and published modifications).